The following is an entry in ClinVar:

ClinVar aggregate classification (germline): Pathogenic (0 of 4 stars; one submission).

Conditions:
Glutathione synthetase deficiency with 5-oxoprolinuria. Also called: PYROGLUTAMIC ACIDURIA; 5-Oxoprolinuria; Gluthathione synthetase deficiency; 5-OXOPROLINURIA DUE TO GLUTATHIONE SYNTHETASE DEFICIENCY; Reduced glutathione synthetase level. Identifiers: Orphanet 289846, MedGen C0398746, MONDO:0009947, OMIM 266130, HP:0003343.

Submission:

OMIM
Classification: Pathogenic for GLUTATHIONE SYNTHETASE DEFICIENCY. Last evaluated: 1996-11-01. Review status: no assertion criteria provided. Collection method: literature only. Allele origin: germline.

Literature cited by the submitters: PubMed 8896573.

NM_000178.4(GSS):c.[1139_1144del;941C>T]

Variant type: Haplotype.
Identifiers: ClinVar variation 2627798 (VCV002627798.2).